The following is an entry in ClinVar:

NM_001127222.2(CACNA1A):c.3856G>C (p.Val1286Leu)

Gene: CACNA1A (calcium voltage-gated channel subunit alpha1 A; minus strand). Cytogenetic location: 19p13.13.
Variant type: single nucleotide variant.
Coding change: c.3856G>C on transcript NM_001127222.2 (MANE Select); coding-DNA position 3856, G replaced by C.
Protein change: p.Val1286Leu; replaces valine 1286 with leucine.
Molecular consequence: missense variant.
Genome position (GRCh38, 1-based): chr19:13,277,095, C>G on the plus strand (G>C on the coding strand, the complement: CACNA1A is on the minus strand). VCF-style: chr19-13277095-C-G. GRCh37 (hg19) VCF-style: chr19-13387909-C-G.
Other names: c.3868G>C, p.Val1290Leu (NM_000068.4, NM_023035.3); c.3859G>C, p.Val1287Leu (NM_001127221.2, NM_001174080.2); short protein forms V1287L, V1290L, V1286L.
Identifiers: ClinVar variation 4789725 (VCV004789725.1).

ClinVar aggregate classification (germline): Uncertain significance (1 of 4 stars; one submission).

Conditions:
Episodic ataxia type 2 (EA2). Also called: ACETAZOLAMIDE-RESPONSIVE HEREDITARY PAROXYSMAL CEREBELLAR ATAXIA; ATAXIA, EPISODIC, WITH NYSTAGMUS; ATAXIA, FAMILIAL PAROXYSMAL; CEREBELLAR ATAXIA, PAROXYSMAL, ACETAZOLAMIDE-RESPONSIVE; CEREBELLOPATHY, HEREDITARY PAROXYSMAL; EPISODIC ATAXIA, NYSTAGMUS-ASSOCIATED. Identifiers: Orphanet 97, MedGen C1720416, MONDO:0007163, OMIM 108500.
Developmental and epileptic encephalopathy, 42 (DEE42A). Also called: Epileptic encephalopathy, early infantile, 42; DEVELOPMENTAL AND EPILEPTIC ENCEPHALOPATHY 42A; EPILEPTIC ENCEPHALOPATHY, EARLY INFANTILE, 42A. Identifiers: MedGen C4310716, MONDO:0014917, OMIM 617106.

Submission:

Labcorp Genetics (formerly Invitae), Labcorp
Classification: Uncertain significance for Developmental and epileptic encephalopathy, 42; Episodic ataxia type 2. Last evaluated: 2025-10-13. Review status: criteria provided, single submitter. Criteria: Invitae Variant Classification Sherloc (09022015). Collection method: clinical testing. Allele origin: germline.
Comment: This sequence change replaces valine, which is neutral and non-polar, with leucine, which is neutral and non-polar, at codon 1287 of the CACNA1A protein (p.Val1287Leu). This variant is not present in population databases (gnomAD no frequency). This variant has not been reported in the literature in individuals affected with CACNA1A-related conditions. Invitae Evidence Modeling of protein sequence and biophysical properties (such as structural, functional, and spatial information, amino acid conservation, physicochemical variation, residue mobility, and thermodynamic stability) indicates that this missense variant is expected to disrupt CACNA1A protein function with a positive predictive value of 95%. In summary, the available evidence is currently insufficient to determine the role of this variant in disease. Therefore, it has been classified as a Variant of Uncertain Significance.